The following is an entry in ClinVar:

ClinVar aggregate classification (germline): Uncertain significance (1 of 4 stars; one submission).

Conditions:
Neurofibromatosis, type 1 (NF1). Also called: VON RECKLINGHAUSEN DISEASE; Peripheral type neurofibromatosis; NEUROFIBROMATOSIS, TYPE I, SOMATIC; Neurofibromatosis, type I. Identifiers: Orphanet 636, MedGen C0027831, MONDO:0018975, OMIM 162200. Disease mechanism: loss of function.

Submission:

Labcorp Genetics (formerly Invitae), Labcorp
Classification: Uncertain significance for Neurofibromatosis, type 1. Last evaluated: 2024-02-24. Review status: criteria provided, single submitter. Criteria: Invitae Variant Classification Sherloc (09022015). Collection method: clinical testing. Allele origin: germline.
Comment: This sequence change replaces tyrosine, which is neutral and polar, with histidine, which is basic and polar, at codon 408 of the NF1 protein (p.Tyr408His). This variant is not present in population databases (gnomAD no frequency). This variant has not been reported in the literature in individuals affected with NF1-related conditions. Advanced modeling of protein sequence and biophysical properties (such as structural, functional, and spatial information, amino acid conservation, physicochemical variation, residue mobility, and thermodynamic stability) has been performed at Invitae for this missense variant, however the output from this modeling did not meet the statistical confidence thresholds required to predict the impact of this variant on NF1 protein function. In summary, the available evidence is currently insufficient to determine the role of this variant in disease. Therefore, it has been classified as a Variant of Uncertain Significance.

NM_001042492.3(NF1):c.1222T>C (p.Tyr408His)

Gene: NF1 (neurofibromin 1; plus strand). Cytogenetic location: 17q11.2.
Variant type: single nucleotide variant.
Coding change: c.1222T>C on transcript NM_001042492.3 (MANE Select); coding-DNA position 1222, T replaced by C.
Protein change: p.Tyr408His; replaces tyrosine 408 with histidine.
Molecular consequence: missense variant.
Genome position (GRCh38, 1-based): chr17:31,201,447, T>C. VCF-style: chr17-31201447-T-C. GRCh37 (hg19) VCF-style: chr17-29528465-T-C.
Other names: c.1222T>C, p.Tyr408His (NM_000267.4, NM_001128147.3); short protein forms Y408H.
Identifiers: ClinVar variation 3634497 (VCV003634497.2).
Genomic context (GRCh38, chr17:31,201,447, plus strand): 5'-GCTTTTTTTTTTCTTTTTCTATAGATCTGCCTGGCTCAGAATTCACCTTCTACATTTCAC[T>C]ATGTGCTGGTAAATTCACTCCATCGAATCATCACCAATGTAAGTCCAAAAGGTATTGCTA-3'
Protein context (NP_001035957.1, residues 398-418): LAQNSPSTFH[Tyr408His]VLVNSLHRII